The following is an entry in ClinVar:

NM_001453.3(FOXC1):c.1297_1298del (p.Leu433fs)

Gene: FOXC1 (forkhead box C1; plus strand). Cytogenetic location: 6p25.3.
Variant type: Microsatellite.
Coding change: c.1297_1298del on transcript NM_001453.3 (MANE Select); coding-DNA positions 1297 to 1298, 2 bases deleted (CT; older notation c.1297_1298delCT).
Protein change: p.Leu433fs; shifts the reading frame from leucine 433.
Molecular consequence: frameshift variant.
Genome position (GRCh38, 1-based): chr6:1,611,742-1,611,743, CT deleted; deleting any 2 consecutive bases within chr6:1,611,738-1,611,743 gives the same sequence; the c. name uses the placement nearest the transcript's 3' end. VCF-style (leftmost placement, unchanged base first): chr6-1611737-ACT-A. GRCh37 (hg19) VCF-style: chr6-1611972-ACT-A.
Other names: short protein forms L433fs.
Identifiers: ClinVar variation 503971 (VCV000503971.4), dbSNP rs1554101091, ClinGen allele CA658796702.
Genomic context (GRCh38, chr6:1,611,737, plus strand): 5'-ACTTGCAGGGCGCGCCCGGGGGCGCGGGCGGCTCGGCCGTGGACGACCCCCTGCCCGACT[ACT>A]CTCTGCCTCCGGTCACCAGCAGCAGCTCGTCGTCCCTGAGTCACGGCGGCGGCGGCGGCG-3'

ClinVar aggregate classification (germline): Pathogenic/Likely pathogenic. Review status: criteria provided, multiple submitters, no conflicts (2 of 4 stars). 3 submissions from 3 submitters: Pathogenic (1); Likely pathogenic (2). Last evaluated 2025-09-22.

Conditions:
Axenfeld-Rieger syndrome type 3 (RIEG3). Also called: AXENFELD-RIEGER ANOMALY WITH CARDIAC DEFECTS AND/OR SENSORINEURAL HEARING LOSS. Identifiers: Orphanet 782, MedGen C2678503, MONDO:0011233, OMIM 602482.
FOXC1-related disorder. Also called: FOXC1-related condition.

Submissions (3):

3billion
Classification: Likely pathogenic for FOXC1-related disorder. Last evaluated: 2025-09-22. Review status: criteria provided, single submitter. Criteria: ACMG Guidelines, 2015. Collection method: clinical testing. Allele origin: germline. Affected: yes.
Comment: The variant is observed at an extremely low frequency in the gnomAD v4.1.0 dataset (total allele frequency: <0.001%). Predicted Consequence/Location: Frameshift: predicted to result in a loss or disruption of normal protein function through protein truncation. The predicted truncated protein may be shortened by more than 10%. The variant has been reported to be associated with FOXC1-related disorder (ClinVar ID: VCV000503971). Therefore, this variant is classified as Likely pathogenic according to the recommendation of ACMG/AMP guideline.

Department of Genetics, Rouen University Hospital, Normandy Center for Genomic and Personalized Medicine
Classification: Likely pathogenic for Axenfeld-Rieger syndrome type 3. Last evaluated: 2023-07-05. Review status: criteria provided, single submitter. Criteria: ACMG Guidelines, 2015. Collection method: clinical testing. Allele origin: paternal. Affected: yes.

GeneDx
Classification: Pathogenic. Last evaluated: 2018-01-02. Review status: criteria provided, single submitter. Criteria: GeneDx Variant Classification (06012015). Collection method: clinical testing. Allele origin: germline. Affected: yes.
Comment: The c.1297_1298delCT variant in the FOXC1 gene has been reported previously as a pathogenic variant nor as a benign variant, to our knowledge. The c.1297_1298delCT variant causes a frameshift starting with codon Leucine 433, changes this amino acid to an Alanine residue, and creates a premature Stop codon at position 94 of the new reading frame, denoted p.Leu433AlafsX94. This variant is predicted to cause loss of normal protein function through protein truncation. Protein truncating variants downstream of this variant have been reported in the Human Gene Mutation Database in association with FOXC1-related disorders (Stenson et al., 2014), supporting the pathogenicity of more upstream truncating variants. The c.1297_1298delCT variant is not observed in large population cohorts (Lek et al., 2016). We interpret c.1297_1298delCT as a pathogenic variant.